The following is an entry in ClinVar:

NM_004168.4(SDHA):c.283C>T (p.Pro95Ser)

Gene: SDHA (succinate dehydrogenase complex flavoprotein subunit A; plus strand). Cytogenetic location: 5p15.33.
Variant type: single nucleotide variant.
Coding change: c.283C>T on transcript NM_004168.4 (MANE Select); coding-DNA position 283, C replaced by T.
Protein change: p.Pro95Ser; replaces proline 95 with serine.
Molecular consequence: missense variant.
Genome position (GRCh38, 1-based): chr5:224,492, C>T. VCF-style: chr5-224492-C-T. GRCh37 (hg19) VCF-style: chr5-224607-C-T.
Other names: c.283C>T, p.Pro95Ser (NM_001294332.2, NM_001330758.2); short protein forms P95S.
Identifiers: ClinVar variation 1796698 (VCV001796698.2), dbSNP rs2477287029, ClinGen allele CA359008640.
Genomic context (GRCh38, chr5:224,492, plus strand): 5'-CGAGCTGCATTTGGCCTTTCTGAGGCAGGGTTTAATACAGCATGTGTTACCAAGCTGTTT[C>T]CTACCAGGTCACACACTGTTGCAGCACAGGTAAGAGAAAGGTGCCCCACTGTGCTCCCAC-3'
Protein context (NP_004159.2, residues 85-105): FNTACVTKLF[Pro95Ser]TRSHTVAAQG

ClinVar aggregate classification (germline): Uncertain significance (1 of 4 stars; one submission).

Conditions:
Hereditary cancer-predisposing syndrome. Also called: Tumor predisposition; Hereditary Cancer Syndrome; Neoplastic Syndromes, Hereditary; Hereditary neoplastic syndrome. Identifiers: Orphanet 140162, MedGen C0027672, MeSH D009386, MONDO:0015356.

Submission:

Ambry Genetics
Classification: Uncertain significance for Hereditary cancer-predisposing syndrome. Last evaluated: 2021-08-24. Review status: criteria provided, single submitter. Criteria: Ambry Variant Classification Scheme 2023. Collection method: clinical testing. Allele origin: germline.
Comment: The p.P95S variant (also known as c.283C>T), located in coding exon 3 of the SDHA gene, results from a C to T substitution at nucleotide position 283. The proline at codon 95 is replaced by serine, an amino acid with similar properties. This amino acid position is highly conserved in available vertebrate species. In addition, the in silico prediction for this alteration is inconclusive. Since supporting evidence is limited at this time, the clinical significance of this alteration remains unclear.